The following is an entry in ClinVar:

ClinVar aggregate classification (germline): Uncertain significance (1 of 4 stars; one submission).

Conditions:
Inborn genetic diseases. Identifiers: MedGen C0950123, MeSH D030342.

Submission:

Ambry Genetics
Classification: Uncertain significance for Inborn genetic diseases. Last evaluated: 2025-05-08. Review status: criteria provided, single submitter. Criteria: Ambry Variant Classification Scheme 2023. Collection method: clinical testing. Allele origin: germline.
Comment: The p.K95E variant (also known as c.283A>G), located in coding exon 3 of the CEP57 gene, results from an A to G substitution at nucleotide position 283. The lysine at codon 95 is replaced by glutamic acid, an amino acid with similar properties. This amino acid position is conserved. In addition, the in silico prediction for this alteration is inconclusive. Based on the available evidence, the clinical significance of this variant remains unclear.

NM_014679.5(CEP57):c.283A>G (p.Lys95Glu)

Gene: CEP57 (centrosomal protein 57; plus strand). Cytogenetic location: 11q21.
Variant type: single nucleotide variant.
Coding change: c.283A>G on transcript NM_014679.5 (MANE Select); coding-DNA position 283, A replaced by G.
Protein change: p.Lys95Glu; replaces lysine 95 with glutamic acid.
Molecular consequence: missense variant.
Genome position (GRCh38, 1-based): chr11:95,813,012, A>G. VCF-style: chr11-95813012-A-G. GRCh37 (hg19) VCF-style: chr11-95546176-A-G.
Other names: c.256A>G, p.Lys86Glu (NM_001243776.2); c.283A>G, p.Lys95Glu (NM_001243777.2); c.202A>G, p.Lys68Glu (NM_001363604.2); short protein forms K86E, K95E, K68E.
Identifiers: ClinVar variation 3832026 (VCV003832026.2).